The following is an entry in ClinVar:

ClinVar aggregate classification (germline): Uncertain significance (1 of 4 stars; one submission).

Conditions:
Inborn genetic diseases. Identifiers: MedGen C0950123, MeSH D030342.

Submission:

Ambry Genetics
Classification: Uncertain significance for Inborn genetic diseases. Last evaluated: 2024-08-09. Review status: criteria provided, single submitter. Criteria: Ambry Variant Classification Scheme 2023. Collection method: clinical testing. Allele origin: germline.
Comment: The p.N1506K variant (also known as c.4518C>G), located in coding exon 31 of the LRRK2 gene, results from a C to G substitution at nucleotide position 4518. The asparagine at codon 1506 is replaced by lysine, an amino acid with similar properties. This amino acid position is conserved. In addition, this alteration is predicted to be tolerated by in silico analysis. Based on the available evidence, the clinical significance of this variant remains unclear.

NM_198578.4(LRRK2):c.4518C>G (p.Asn1506Lys)

Gene: LRRK2 (leucine rich repeat kinase 2; plus strand). Cytogenetic location: 12q12.
Variant type: single nucleotide variant.
Coding change: c.4518C>G on transcript NM_198578.4 (MANE Select); coding-DNA position 4518, C replaced by G.
Protein change: p.Asn1506Lys; replaces asparagine 1506 with lysine.
Molecular consequence: missense variant.
Genome position (GRCh38, 1-based): chr12:40,310,631, C>G. VCF-style: chr12-40310631-C-G. GRCh37 (hg19) VCF-style: chr12-40704433-C-G.
Other names: short protein forms N1506K.
Identifiers: ClinVar variation 3540615 (VCV003540615.1).